The following is an entry in ClinVar:

NM_014249.4(NR2E3):c.350-4C>A

Gene: NR2E3 (nuclear receptor subfamily 2 group E member 3; plus strand). Cytogenetic location: 15q23.
Variant type: single nucleotide variant.
Coding change: c.350-4C>A on transcript NM_014249.4 (MANE Select); 4 bases into the intron before coding-DNA position 350, C replaced by A.
Molecular consequence: intron variant.
Genome position (GRCh38, 1-based): chr15:71,811,951, C>A. VCF-style: chr15-71811951-C-A. GRCh37 (hg19) VCF-style: chr15-72104291-C-A.
Other names: c.350-4C>A (NM_016346.4).
Identifiers: ClinVar variation 5003419 (VCV005003419.1).

ClinVar aggregate classification (germline): Uncertain significance (1 of 4 stars; one submission).

Conditions:
ENHANCED S-CONE SYNDROME 1 (ESCS1). Also called: RETINOSCHISIS WITH EARLY HEMERALOPIA; FAVRE HYALOIDEORETINAL DEGENERATION. Identifiers: MedGen CN380299, OMIM 268100.

Submission:

Myriad Genetics, Inc.
Classification: Uncertain significance for ENHANCED S-CONE SYNDROME 1. Last evaluated: 2026-06-02. Review status: criteria provided, single submitter. Criteria: Myriad Autosomal Dominant, Autosomal Recessive and X-Linked Classification Criteria (2023). Collection method: clinical testing. Allele origin: unknown.
Comment: NM_014249.2(NR2E3):c.350-4C>A is an intronic variant classified as a variant of uncertain significance in the context of enhanced S-cone syndrome. c.350-4C>A has not been observed in cases with relevant disease. Relevant functional assessments of this variant are not available in the literature. c.350-4C>A has not been observed in referenced population frequency databases. In summary, there is insufficient evidence to classify NM_014249.2(NR2E3):c.350-4C>A as pathogenic or benign. Please note: this variant was assessed in the context of healthy population screening.